The following is an entry in ClinVar:

NM_007194.4(CHEK2):c.1425del (p.Phe475fs)

Gene: CHEK2 (checkpoint kinase 2; minus strand). Cytogenetic location: 22q12.1.
Variant type: Deletion.
Coding change: c.1425del on transcript NM_007194.4 (MANE Select); coding-DNA position 1425, one base deleted (T; older notation c.1425delT).
Protein change: p.Phe475fs; shifts the reading frame from phenylalanine 475.
Molecular consequence: frameshift variant.
Genome position (GRCh38, 1-based): chr22:28,694,068, A deleted on the plus strand (T on the coding strand, the reverse complement: CHEK2 is on the minus strand); the first of 4 consecutive A bases (chr22:28,694,068-28,694,071); deleting any one gives the same sequence. VCF-style (leftmost placement, unchanged base first): chr22-28694067-TA-T. GRCh37 (hg19) VCF-style: chr22-29090055-TA-T.
Other names: c.1425delT (NM_007194.3); c.1551delT, p.Phe518Leufs (NM_001005735.3); c.759delT, p.Phe254Leufs (NM_001257387.3); c.1221delT, p.Phe408Leufs (NM_001349956.3); c.1335delT, p.Phe446Leufs (NM_145862.3); short protein forms F254fs, F408fs, F446fs, F475fs, F518fs.
Identifiers: ClinVar variation 5593 (VCV000005593.5), dbSNP rs2145785282, ClinGen allele CA2580099378.

ClinVar aggregate classification (germline): Pathogenic. Review status: criteria provided, single submitter (1 of 4 stars). 2 submissions from 2 submitters: Pathogenic (1). 1 of the submissions does not count toward it. Last evaluated 2021-01-06.

Conditions:
Hereditary cancer-predisposing syndrome. Also called: Hereditary Cancer Syndrome; Neoplastic Syndromes, Hereditary; Hereditary neoplastic syndrome; Tumor predisposition. Identifiers: Orphanet 140162, MedGen C0027672, MeSH D009386, MONDO:0015356.
CHEK2-related cancer predisposition (TPDS4). Also called: TUMOR PREDISPOSITION SYNDROME 4; CANCER PREDISPOSITION SYNDROME, CHEK2-RELATED; CHEK2-related cancer susceptibility. Identifiers: Orphanet 524, MedGen C5882668, MONDO:0700271, OMIM 609265.

Submissions (2):

Ambry Genetics
Classification: Pathogenic for Hereditary cancer-predisposing syndrome. Last evaluated: 2021-01-06. Review status: criteria provided, single submitter. Criteria: Ambry Variant Classification Scheme 2023. Collection method: clinical testing. Allele origin: germline.
Comment: The c.1425delT pathogenic mutation, located in coding exon 12 of the CHEK2 gene, results from a deletion of one nucleotide at nucleotide position 1425, causing a translational frameshift with a predicted alternate stop codon (p.F475Lfs*7). This alteration is expected to result in loss of function by premature protein truncation or nonsense-mediated mRNA decay. As such, this alteration is interpreted as a disease-causing mutation.

OMIM
Classification: Pathogenic for TUMOR PREDISPOSITION SYNDROME 4. Last evaluated: 1999-12-24. Review status: no assertion criteria provided. Collection method: literature only. Allele origin: germline. Not counted in ClinVar's aggregate classification.

Literature cited by the submitters: PubMed 10617473 (cited by OMIM).